The following is an entry in ClinVar:

ClinVar aggregate classification (germline): Conflicting classifications of pathogenicity. Review status: criteria provided, conflicting classifications (1 of 4 stars). 6 submissions from 6 submitters: Uncertain significance (4); Likely benign (2). Last evaluated 2024-12-01.

Conditions:
Hereditary cancer-predisposing syndrome. Also called: Tumor predisposition; Hereditary Cancer Syndrome; Neoplastic Syndromes, Hereditary; Hereditary neoplastic syndrome. Identifiers: Orphanet 140162, MedGen C0027672, MeSH D009386, MONDO:0015356.
Hereditary breast ovarian cancer syndrome. Also called: Hereditary breast and ovarian cancer; Hereditary breast and ovarian cancer syndrome; Hereditary breast and ovarian cancer syndrome (HBOC); Breast and ovarian cancer; Hereditary breast and/or ovarian cancer syndrome; BRCA1- and BRCA2-Associated Hereditary Breast and Ovarian Cancer. Identifiers: Orphanet 145, MedGen C0677776, MeSH D061325, MONDO:0003582. Disease mechanism: loss of function.
Familial cancer of breast. Also called: hereditary breast carcinoma; BREAST CANCER, FAMILIAL; Hereditary breast cancer. Identifiers: Orphanet 227535, MedGen C0346153, MONDO:0016419, OMIM 114480. Disease mechanism: loss of function.

gnomAD v4.1: 1 of 1,614,160 alleles (0.000062%); no homozygotes.

Submissions (6):

Ambry Genetics
Classification: Uncertain significance for Hereditary cancer-predisposing syndrome. Last evaluated: 2024-12-01. Review status: criteria provided, single submitter. Criteria: Ambry Variant Classification Scheme 2023. Collection method: clinical testing. Allele origin: germline.
Comment: The p.T367A variant (also known as c.1099A>G), located in coding exon 9 of the BRCA1 gene, results from an A to G substitution at nucleotide position 1099. The threonine at codon 367 is replaced by alanine, an amino acid with similar properties. This amino acid position is not well conserved in available vertebrate species. In addition, the in silico prediction for this alteration is inconclusive. Since supporting evidence is limited at this time, the clinical significance of this alteration remains unclear.

Labcorp Genetics (formerly Invitae), Labcorp
Classification: Uncertain significance for Hereditary breast ovarian cancer syndrome. Last evaluated: 2024-10-14. Review status: criteria provided, single submitter. Criteria: Invitae Variant Classification Sherloc (09022015). Collection method: clinical testing. Allele origin: germline.
Comment: This sequence change replaces threonine, which is neutral and polar, with alanine, which is neutral and non-polar, at codon 367 of the BRCA1 protein (p.Thr367Ala). This variant is not present in population databases (gnomAD no frequency). This variant has not been reported in the literature in individuals affected with BRCA1-related conditions. ClinVar contains an entry for this variant (Variation ID: 240769). Invitae Evidence Modeling of protein sequence and biophysical properties (such as structural, functional, and spatial information, amino acid conservation, physicochemical variation, residue mobility, and thermodynamic stability) indicates that this missense variant is not expected to disrupt BRCA1 protein function with a negative predictive value of 80%. In summary, the available evidence is currently insufficient to determine the role of this variant in disease. Therefore, it has been classified as a Variant of Uncertain Significance.

CeGaT Center for Human Genetics Tuebingen
Classification: Uncertain significance. Last evaluated: 2024-07-01. Review status: criteria provided, single submitter. Criteria: CeGaT Center For Human Genetics Tuebingen Variant Classification Criteria Version 2. Collection method: clinical testing. Allele origin: germline. Affected: yes. Observed: 1 variant allele.
Comment: BRCA1: PM2

MGZ Medical Genetics Center
Classification: Likely benign for Familial cancer of breast. Last evaluated: 2024-02-09. Review status: criteria provided, single submitter. Criteria: CSpec BRCA1/2ACMG Rules Specifications V1.1.0. Collection method: clinical testing. Allele origin: germline. Affected: yes.
Comment: ACMG codes applied following ENIGMA VCEP rules: BP1_STR, PM2_SUP

Color Diagnostics, LLC DBA Color Health
Classification: Uncertain significance for Hereditary cancer-predisposing syndrome. Last evaluated: 2023-04-26. Review status: criteria provided, single submitter. Criteria: ACMG Guidelines, 2015. Collection method: clinical testing. Allele origin: germline.
Comment: This missense variant replaces threonine with alanine at codon 367 of the BRCA1 protein. Computational prediction is inconclusive regarding the impact of this variant on protein structure and function (internally defined REVEL score threshold 0.5 < inconclusive < 0.7, PMID: 27666373). To our knowledge, functional studies have not been reported for this variant. This variant has not been reported in individuals affected with BRCA1-related disorders in the literature. This variant has not been identified in the general population by the Genome Aggregation Database (gnomAD). The available evidence is insufficient to determine the role of this variant in disease conclusively. Therefore, this variant is classified as a Variant of Uncertain Significance.

University of Washington Department of Laboratory Medicine, University of Washington
Classification: Likely benign for Hereditary cancer-predisposing syndrome. Last evaluated: 2023-03-23. Review status: criteria provided, single submitter. Criteria: Dines et al. (Genet Med. 2020). Collection method: curation. Allele origin: germline.
Comment: Missense variant in a coldspot region where missense variants are very unlikely to be pathogenic (PMID:31911673).

BRCA1 coldspot (exon 11 using historical exon numbering). Reclassification based on statistical prior probability

NM_007294.4(BRCA1):c.1099A>G (p.Thr367Ala)

Gene: BRCA1 (BRCA1 DNA repair associated; minus strand). Cytogenetic location: 17q21.31.
Variant type: single nucleotide variant.
Coding change: c.1099A>G on transcript NM_007294.4 (MANE Select); coding-DNA position 1099, A replaced by G.
Protein change: p.Thr367Ala; replaces threonine 367 with alanine.
Molecular consequence: missense variant. On other transcripts: intron variant (137).
Genome position (GRCh38, 1-based): chr17:43,094,432, T>C on the plus strand (A>G on the coding strand, the complement: BRCA1 is on the minus strand). VCF-style: chr17-43094432-T-C. GRCh37 (hg19) VCF-style: chr17-41246449-T-C.
Other names: c.886A>G, p.Thr296Ala (NM_001407571.1, NM_001407915.1, NM_001407916.1 and 9 more transcripts); c.1099A>G, p.Thr367Ala (NM_001407581.1, NM_001407582.1, NM_001407583.1 and 30 more transcripts); c.1096A>G, p.Thr366Ala (NM_001407587.1, NM_001407590.1, NM_001407591.1 and 22 more transcripts); c.1021A>G, p.Thr341Ala (NM_001407653.1, NM_001407654.1, NM_001407655.1 and 4 more transcripts); c.1018A>G, p.Thr340Ala (NM_001407659.1, NM_001407660.1, NM_001407661.1 and 1 more transcripts); c.973A>G, p.Thr325Ala (NM_001407671.1, NM_001407672.1, NM_001407673.1 and 11 more transcripts); c.976A>G, p.Thr326Ala (NM_001407674.1, NM_001407675.1, NM_001407676.1 and 19 more transcripts); c.958A>G, p.Thr320Ala (NM_001407692.1, NM_001407694.1, NM_001407695.1 and 29 more transcripts); and 40 more; short protein forms T367A, T320A, T199A, T278A, T239A, T240A, T255A, T296A.
Identifiers: ClinVar variation 240769 (VCV000240769.42), dbSNP rs878854929, ClinGen allele CA10583583.